The following continues an entry in ClinVar:

NM_007294.4(BRCA1):c.211A>G (p.Arg71Gly)

Gene: BRCA1. ClinVar aggregate classification (germline): Pathogenic. Pathogenic (1).

Submissions 15 to 28 of 38:

Sema4
Classification: Pathogenic for Hereditary cancer-predisposing syndrome. Last evaluated: 2022-02-13. Review status: criteria provided, single submitter. Criteria: Sema4 Curation Guidelines. Collection method: curation. Allele origin: germline. Not counted in ClinVar's aggregate classification.
Comment: The BRCA1 c.211A>G (p.R71G) variant has been reported in heterozygosity in multiple individuals with breast cancer and/or ovarian cancer (PMID: 11385711, 20215541, 29446198, 30606148). The variant has also been reported in 7/60466 women with breast cancer and 0/53461 controls in a large case control study evaluating breast cancer risk (PMID: 33471991). Some functional assays demonstrated normal function of the protein (PMID: 11320250, 21725363). However, other functional studies have shown that this variant results in aberrant splicing of exon 5 and creation of a premature stop codon at position 64. (PMID: 11385711, 20215541). The variant is also known as c.330A>G in the literature. This variant was observed in 1/113176 chromosomes in the Non-Finnish European population, according to the Genome Aggregation Database (PMID: 32461654). The variant has been reported in ClinVar (Variation ID: 17693). Based on the current evidence available, this variant is interpreted as pathogenic.

GeneDx
Classification: Pathogenic. Last evaluated: 2022-02-07. Review status: criteria provided, single submitter. Criteria: GeneDx Variant Classification Process June 2021. Collection method: clinical testing. Allele origin: germline. Affected: yes. Not counted in ClinVar's aggregate classification.
Comment: Exonic splice variant demonstrated to result in protein truncation or nonsense mediated decay in a gene for which loss-of-function is a known mechanism of disease (Vega 2001, Santos 2009); Published functional studies demonstrate a damaging effect: classified as loss of function based on results of a cell survival assay and multifactorial likelihood analysis suggests this variant is pathogenic (Findlay 2018, Parsons 2019); Not observed at significant frequency in large population cohorts (gnomAD); In silico analysis supports that this missense variant has a deleterious effect on protein structure/function; Also known as 330A>G; This variant is associated with the following publications: (PMID: 21725363, 27083775, 28477318, 28664506, 20215541, 23161852, 15235020, 11320250, 10508480, 21735045, 26246475, 25823446, 19123044, 25782689, 26913838, 22505045, 28453507, 28127413, 27081505, 27836010, 30240327, 29884136, 30103829, 20103620, 30209399, 29446198, 11385711, 30995943, 30720243, 30606148, 30630528, 31131967, 31454914, 25525159, 33087888, 31589614, 32341426, 32719484, 33558524, 20104584, 24389207, 27535533)

Fulgent Genetics
Classification: Pathogenic for Familial cancer of breast; Breast-ovarian cancer, familial, susceptibility to, 1; Pancreatic cancer, susceptibility to, 4; Fanconi anemia, complementation group S. Last evaluated: 2021-12-08. Review status: criteria provided, single submitter. Criteria: ACMG Guidelines, 2015. Collection method: clinical testing. Allele origin: unknown. Not counted in ClinVar's aggregate classification.

Genetics Program, Instituto Nacional de Cancer
Classification: Pathogenic for Hereditary breast ovarian cancer syndrome. Last evaluated: 2021-11-01. Review status: criteria provided, single submitter. Criteria: ACMG Guidelines, 2015. Collection method: research. Allele origin: germline. Affected: yes. Not counted in ClinVar's aggregate classification.

Laboratorio de Genetica e Diagnostico Molecular, Hospital Israelita Albert Einstein
Classification: Pathogenic for Breast-ovarian cancer, familial, susceptibility to, 1. Last evaluated: 2021-07-22. Review status: criteria provided, single submitter. Criteria: ACMG Guidelines, 2015. Collection method: clinical testing. Allele origin: germline. Affected: yes. Not counted in ClinVar's aggregate classification.
Comment: ACMG classification criteria: PS3 supporting, PS4 strong, PM2 moderate, PM5 moderate, PP1 strong, PP3 supporting

Women's Health and Genetics/Laboratory Corporation of America, LabCorp
Classification: Pathogenic for Hereditary breast and ovarian cancer syndrome. Last evaluated: 2020-12-27. Review status: criteria provided, single submitter. Criteria: LabCorp Variant Classification Summary - May 2015. Collection method: clinical testing. Allele origin: germline. Not counted in ClinVar's aggregate classification.
Comment: Variant summary: BRCA1 c.211A>G (p.Arg71Gly) results in a non-conservative amino acid change in the encoded protein sequence. Four of five in-silico tools predict a damaging effect of the variant on protein function. As a variant located within the exonic-splice region close to the intronic splice donor site, several computational tools predict a significant impact on normal splicing: Two predict the variant abolishes a 5' splicing donor site. Two predict the variant weakens a 5' donor site. At least two publications report experimental evidence that this variant affects mRNA splicing (example, Vega_2001, Santos_2009). The variant allele was found at a frequency of 4e-06 in 249844 control chromosomes. c.211A>G has been widely reported in the literature in multiple individuals affected with Hereditary Breast And Ovarian Cancer Syndrome (example Rebbeck_2018). These data indicate that the variant is very likely to be associated with disease. At-least one mutually exclusive co-occurrence with another pathogenic variant(s) has been reported in the UMD database (BRCA2 c.2701delC, p.Ala902LeufsX2). At least one publication reports experimental evidence evaluating an impact on protein function. The most pronounced variant effect results in a loss of function as evaluated in a high throughput system that used saturation genome editing to assess homology directed repair (HDR) activity (Findlay_2018). Multiple clinical diagnostic laboratories and one expert panel (ENIGMA) have submitted clinical-significance assessments for this variant to ClinVar after 2014. Some submitters cite overlapping evidence utilized in the context of this evaluation. All submitters classified the variant as pathogenic. Based on the evidence outlined above, the variant was classified as pathogenic.

Mendelics
Classification: Pathogenic for Hereditary breast and ovarian cancer syndrome. Last evaluated: 2018-07-02. Review status: criteria provided, single submitter. Criteria: Mendelics Assertion Criteria 2017. Collection method: clinical testing. Allele origin: unknown. Not counted in ClinVar's aggregate classification.

Department of Pathology and Molecular Medicine, Queen's University
Classification: Pathogenic for Hereditary breast ovarian cancer syndrome. Last evaluated: 2017-04-20. Review status: criteria provided, single submitter. Criteria: ACMG Guidelines, 2015. Collection method: clinical testing. Allele origin: germline. Study: The Canadian Open Genetics Repository (COGR). Not counted in ClinVar's aggregate classification.

Baylor Genetics
Classification: Pathogenic for Familial cancer of breast. Last evaluated: 2017-02-23. Review status: criteria provided, single submitter. Criteria: ACMG Guidelines, 2015. Collection method: clinical testing. Allele origin: germline. Inheritance: Autosomal dominant inheritance. Affected: yes. Observed: 1 variant allele. Not counted in ClinVar's aggregate classification.

Genologica Medica
Classification: Pathogenic for Breast-ovarian cancer, familial, susceptibility to, 1. Last evaluated: 2017-01-01. Review status: criteria provided, single submitter. Criteria: ACMG Guidelines, 2015. Collection method: clinical testing. Allele origin: germline. Affected: yes. Not counted in ClinVar's aggregate classification.

Consortium of Investigators of Modifiers of BRCA1/2 (CIMBA), c/o University of Cambridge
Classification: Pathogenic for Breast-ovarian cancer, familial, susceptibility to, 1. Last evaluated: 2015-10-02. Review status: criteria provided, single submitter. Criteria: CIMBA Mutation Classification guidelines May 2016. Collection method: clinical testing. Allele origin: germline. Not counted in ClinVar's aggregate classification.

PreventionGenetics, part of Exact Sciences
Classification: Pathogenic for BRCA1-related condition. Last evaluated: 2024-05-03. Review status: no assertion criteria provided. Collection method: clinical testing. Allele origin: germline. Not counted in ClinVar's aggregate classification.
Comment: The BRCA1 c.211A>G variant is predicted to result in the amino acid substitution p.Arg71Gly. This variant has been reported to be causative for breast/ovarian cancer, and appears to be a Spanish founder variant (Díez et al. 1999. PubMed ID: 10508480; Vega et al. 2002. PubMed ID: 12014998; Sanz et al. 2010. PubMed ID: 20215541; Felix et al. 2014. PubMed ID: 27081505). This variant has been shown in vitro to cause exon skipping by introducing a cryptic splice site (Houdayer et al. 2012. PubMed: 22505045), and cells harboring this variant are more sensitive to radiation and showed genomic instability compared to cells with control variants (Cochran et al. 2015. PubMed: 26246475). This variant is reported in 0.00088% of alleles in individuals of European (Non-Finnish) descent in gnomAD and has been reported in ClinVar as pathogenic. This variant is interpreted as pathogenic.

Molecular Oncology, Hospital Universitario Central de Asturias (HUCA)
Classification: Pathogenic for Breast-ovarian cancer, familial, susceptibility to, 1. Last evaluated: 2021-05-24. Review status: no assertion criteria provided. Collection method: case-control. Allele origin: germline. Affected: yes. Not counted in ClinVar's aggregate classification.

Center of Medical Genetics and Primary Health Care
Classification: Pathogenic for Familial Breast Cancer. Last evaluated: 2020-04-08. Review status: no assertion criteria provided. Collection method: research. Allele origin: unknown. Inheritance: Autosomal dominant inheritance. Affected: yes. Not counted in ClinVar's aggregate classification.
Comment: ACMG Guidelines 2015 criteria The BRCA1 variant p.Arg71Gly is a known pathogenic missense mutation in exon 5 that is found in the Zinc finger domain, RING/FYVE/PHD-type (E10-85E aa). It is now recognized to bind DNA, RNA, protein and/or lipid substrates (PMID: 17210253). It is found in a mutational hotspot including 28 pathogenic frameshift and nonsense variants (PM1 Pathogenic Moderate). It was conformed via RT-PCR that this variant results in the loss of 22 nucleotides in exon 5 and a subsequent premature stop codon due to a cryptic splice donor site (PMID: 11385711; 19123044) (PS3 Pathogenic Strong). The allele frequency in GnomAD exomes is 0.000004 which is less the threshold 0.0001 for recessive gene BRCA1, and the variant is not found in GnomAD genomes (PM2 Pathogenic Moderate). Three different pathogenic missense changes at the same amino acid residue (chr17:41258473C>A (Arg71Ile); chr17:41258473C>G (Arg71Thr); chr17:41258473C>T (Arg71Lys)) have been reported in ClinVar (PM5 Pathogenic Moderate). 10 pathogenic predictions from DANN, EIGEN, FATHMM-MKL, M-CAP, MVP, MutationAssessor, MutationTaster, PrimateAI, REVEL and SIFT versus 1 benign prediction from DEOGEN2 support its deleterious effect (PP3 Pathogenic Supporting). The variant has been classified as pathogenic by the ClinGen-approved ENIGMA expert panel (ClinVar SCV001161539.1) (PP5 Pathogenic Supporting). Therefore, this variant was classified as a Pathogenic.